The following is an entry in ClinVar:

NM_005529.7(HSPG2):c.9503C>T (p.Ala3168Val)

Gene: HSPG2 (heparan sulfate proteoglycan 2; minus strand). Cytogenetic location: 1p36.12.
Variant type: single nucleotide variant.
Coding change: c.9503C>T on transcript NM_005529.7 (MANE Select); coding-DNA position 9503, C replaced by T.
Protein change: p.Ala3168Val; replaces alanine 3168 with valine.
Molecular consequence: missense variant.
Genome position (GRCh38, 1-based): chr1:21,841,111, G>A on the plus strand (C>T on the coding strand, the complement: HSPG2 is on the minus strand). VCF-style: chr1-21841111-G-A. GRCh37 (hg19) VCF-style: chr1-22167604-G-A.
Other names: c.9506C>T, p.Ala3169Val (NM_001291860.2); short protein forms A3168V, A3169V.
Identifiers: ClinVar variation 2421344 (VCV002421344.6), dbSNP rs538263312, ClinGen allele CA670428.

ClinVar aggregate classification (germline): Uncertain significance (1 of 4 stars; one submission).

Allele frequency attached by ClinVar (database versions not stated): 1000 Genomes Project 30x 0.00047; 1000 Genomes Project 0.00060.
gnomAD v4.1: 39 of 1,608,078 alleles (0.0024%); highest among the groups gnomAD compares: East Asian, 0.065%; no homozygotes.

Submission:

Labcorp Genetics (formerly Invitae), Labcorp
Classification: Uncertain significance. Last evaluated: 2022-03-26. Review status: criteria provided, single submitter. Criteria: Invitae Variant Classification Sherloc (09022015). Collection method: clinical testing. Allele origin: germline.
Comment: In summary, the available evidence is currently insufficient to determine the role of this variant in disease. Therefore, it has been classified as a Variant of Uncertain Significance. Algorithms developed to predict the effect of missense changes on protein structure and function are either unavailable or do not agree on the potential impact of this missense change (SIFT: "Tolerated"; PolyPhen-2: "Possibly Damaging"; Align-GVGD: "Class C0"). This variant has not been reported in the literature in individuals affected with HSPG2-related conditions. This variant is present in population databases (rs538263312, gnomAD 0.08%). This sequence change replaces alanine, which is neutral and non-polar, with valine, which is neutral and non-polar, at codon 3168 of the HSPG2 protein (p.Ala3168Val).